The following is an entry in ClinVar:

NC_000004.11:g.(?_980871)_(981050_?)dup

Genes: IDUA (alpha-L-iduronidase; plus strand), SLC26A1 (solute carrier family 26 member 1; minus strand). Cytogenetic location: 4p16.3.
Variant type: Duplication.
Identifiers: ClinVar variation 2422582 (VCV002422582.3).

ClinVar aggregate classification (germline): Uncertain significance (1 of 4 stars; one submission).

Conditions:
Mucopolysaccharidosis type 1. Also called: IDUA deficiency; MPS I. Identifiers: Orphanet 579, MedGen C0023786, MONDO:0001586.

Submission:

Labcorp Genetics (formerly Invitae), Labcorp
Classification: Uncertain significance for Mucopolysaccharidosis type 1. Last evaluated: 2022-01-02. Review status: criteria provided, single submitter. Criteria: Invitae Variant Classification Sherloc (09022015). Collection method: clinical testing. Allele origin: germline.
Comment: In summary, the available evidence is currently insufficient to determine the role of this variant in disease. Therefore, it has been classified as a Variant of Uncertain Significance. Experimental studies and prediction algorithms are not available or were not evaluated, and the functional significance of this variant is currently unknown. This variant has not been reported in the literature in individuals affected with IDUA-related conditions. This variant results in a copy number gain of the genomic region encompassing exon(s) 1 of the IDUA gene. This region includes the initiator codon of the gene. This copy number gain extends beyond the assayed region for this gene and therefore may encompass additional genes. As the precise location of this event is unknown, it may be in tandem or it may be located elsewhere in the genome.